The following is an entry in ClinVar:

ClinVar aggregate classification (germline): Benign/Likely benign. Review status: criteria provided, multiple submitters, no conflicts (2 of 4 stars). 7 submissions from 7 submitters: Benign (3); Likely benign (4). Last evaluated 2026-06-01.

Conditions:
Severe intellectual disability-poor language-strabismus-grimacing face-long fingers syndrome (GAND). Also called: GAND SYNDROME. Identifiers: Orphanet 363686, MedGen C3554448, MONDO:0014034, OMIM 615074.

Allele frequency attached by ClinVar (database versions not stated): 1000 Genomes Project 0.00220; 1000 Genomes Project 30x 0.00281; gnomAD 0.00433 and 0.00437; TOPMed 0.00439; gnomAD exomes 0.00464 and 0.00641; ExAC 0.00521; ESP Exome Variant Server 0.00569.
gnomAD v4.1: 9,933 of 1,613,156 alleles (0.62%); highest among the groups gnomAD compares: Non-Finnish European, 0.77%; 38 homozygotes.

Submissions (7):

CeGaT Center for Human Genetics Tuebingen
Classification: Likely benign. Last evaluated: 2026-06-01. Review status: criteria provided, single submitter. Criteria: CeGaT Center For Human Genetics Tuebingen Variant Classification Criteria Version 2. Collection method: clinical testing. Allele origin: germline. Affected: yes. Observed: 32 variant alleles.
Comment: GATAD2B: BS2

Labcorp Genetics (formerly Invitae), Labcorp
Classification: Benign. Last evaluated: 2026-02-03. Review status: criteria provided, single submitter. Criteria: Invitae Variant Classification Sherloc (09022015). Collection method: clinical testing. Allele origin: germline.

Genome-Nilou Lab
Classification: Likely benign for Severe intellectual disability-poor language-strabismus-grimacing face-long fingers syndrome. Last evaluated: 2023-04-11. Review status: criteria provided, single submitter. Criteria: ACMG Guidelines, 2015. Collection method: clinical testing. Allele origin: germline. Affected: no.

GeneDx
Classification: Benign. Last evaluated: 2018-12-05. Review status: criteria provided, single submitter. Criteria: GeneDx Variant Classification Process June 2021. Collection method: clinical testing. Allele origin: germline. Affected: yes.

Center for Pediatric Genomic Medicine, Children's Mercy Hospital and Clinics
Classification: Likely benign. Last evaluated: 2017-01-26. Review status: criteria provided, single submitter. Criteria: ACMG Guidelines, 2015. Collection method: clinical testing. Allele origin: germline.
ClinVar note: Converted during submission from Likely Benign to Likely benign.

Genetic Services Laboratory, University of Chicago
Classification: Benign. Last evaluated: 2014-05-08. Review status: criteria provided, single submitter. Criteria: ACMG Guidelines, 2015. Collection method: clinical testing. Allele origin: germline.

Breakthrough Genomics
Classification: Likely benign. Review status: criteria provided, single submitter. Criteria: ACMG Guidelines, 2015. Collection method: not provided. Allele origin: germline. Inheritance: Autosomal dominant inheritance. Affected: yes.

NM_020699.4(GATAD2B):c.1469C>T (p.Ala490Val)

Gene: GATAD2B (GATA zinc finger domain containing 2B; minus strand). Cytogenetic location: 1q21.3.
Variant type: single nucleotide variant.
Coding change: c.1469C>T on transcript NM_020699.4 (MANE Select); coding-DNA position 1469, C replaced by T.
Protein change: p.Ala490Val; replaces alanine 490 with valine.
Molecular consequence: missense variant.
Genome position (GRCh38, 1-based): chr1:153,812,083, G>A on the plus strand (C>T on the coding strand, the complement: GATAD2B is on the minus strand). VCF-style: chr1-153812083-G-A. GRCh37 (hg19) VCF-style: chr1-153784559-G-A.
Other names: short protein forms A490V.
Identifiers: ClinVar variation 211066 (VCV000211066.53), dbSNP rs145131801, ClinGen allele CA209126.